The following is an entry in ClinVar:

ClinVar aggregate classification (germline): Likely benign. Review status: criteria provided, single submitter (1 of 4 stars). 2 submissions from 2 submitters: Likely benign (1). 1 of the submissions does not count toward it. Last evaluated 2023-08-23.

Conditions:
PCNT-related disorder. Also called: PCNT-related condition.

Allele frequency attached by ClinVar (database versions not stated): gnomAD exomes 0.00001; TOPMed 0.00001.
gnomAD v4.1: 11 of 1,613,776 alleles (0.00068%); highest among the groups gnomAD compares: Admixed American, 0.0033%; no homozygotes.

Submissions (2):

Labcorp Genetics (formerly Invitae), Labcorp
Classification: Likely benign. Last evaluated: 2023-08-23. Review status: criteria provided, single submitter. Criteria: Invitae Variant Classification Sherloc (09022015). Collection method: clinical testing. Allele origin: germline.

PreventionGenetics, part of Exact Sciences
Classification: Likely benign for PCNT-related condition. Last evaluated: 2022-12-19. Review status: no assertion criteria provided. Collection method: clinical testing. Allele origin: germline. Not counted in ClinVar's aggregate classification.
Comment: This variant is classified as likely benign based on ACMG/AMP sequence variant interpretation guidelines (Richards et al. 2015 PMID: 25741868, with internal and published modifications).

NM_006031.6(PCNT):c.7446G>A (p.Gly2482=)

Gene: PCNT (pericentrin; plus strand). Cytogenetic location: 21q22.3.
Variant type: single nucleotide variant.
Coding change: c.7446G>A on transcript NM_006031.6 (MANE Select); coding-DNA position 7446, G replaced by A.
Protein change: p.Gly2482=; no amino-acid change (glycine 2482 retained).
Molecular consequence: synonymous variant.
Genome position (GRCh38, 1-based): chr21:46,427,747, G>A. VCF-style: chr21-46427747-G-A. GRCh37 (hg19) VCF-style: chr21-47847661-G-A.
Other names: c.7446G>A (NM_006031.5); c.7092G>A, p.Gly2364= (NM_001315529.2).
Identifiers: ClinVar variation 2975785 (VCV002975785.5), dbSNP rs1313984367, ClinGen allele CA512742357.
Genomic context (GRCh38, chr21:46,427,747, plus strand): 5'-AAAAGAGCAGGAGATGCAGGGGGTTGAGCTGCAGCCCCGACTCAGTGGCTCAGATCTGGG[G>A]GGTCACAGCTCCCTGCTCGAAAGGCTGGAGAAGATCATCCGTGAGCAGGTGAGTGTCAGC-3'
Protein context (NP_006022.3, residues 2472-2492): LQPRLSGSDL[Gly2482=]GHSSLLERLE